The following is an entry in ClinVar:

ClinVar aggregate classification (germline): Likely benign. Review status: criteria provided, multiple submitters, no conflicts (2 of 4 stars). 2 submissions from 2 submitters: Likely benign (2). Last evaluated 2025-08-03.

Conditions:
Hereditary spastic paraplegia 4. Also called: Spastic paraplegia 4, autosomal dominant; Spastic Paraplegia 4; Familial spastic paraplegia autosomal dominant 2. Identifiers: Orphanet 100985, MedGen C1866855, MONDO:0008438, OMIM 182601.

Allele frequency attached by ClinVar (database versions not stated): TOPMed 0.00002; gnomAD 0.00005; ExAC 0.00007.
gnomAD v4.1: 136 of 1,537,702 alleles (0.0088%); highest among the groups gnomAD compares: Non-Finnish European, 0.011%; no homozygotes.

Submissions (2):

Labcorp Genetics (formerly Invitae), Labcorp
Classification: Likely benign for Hereditary spastic paraplegia 4. Last evaluated: 2025-08-03. Review status: criteria provided, single submitter. Criteria: Invitae Variant Classification Sherloc (09022015). Collection method: clinical testing. Allele origin: germline.

GeneDx
Classification: Likely benign. Last evaluated: 2017-10-03. Review status: criteria provided, single submitter. Criteria: GeneDx Variant Classification (06012015). Collection method: clinical testing. Allele origin: germline. Affected: yes.
Comment: This variant is considered likely benign or benign based on one or more of the following criteria: it is a conservative change, it occurs at a poorly conserved position in the protein, it is predicted to be benign by multiple in silico algorithms, and/or has population frequency not consistent with disease.

NM_014946.4(SPAST):c.415+17G>T

Gene: SPAST (spastin; plus strand). Cytogenetic location: 2p22.3.
Variant type: single nucleotide variant.
Coding change: c.415+17G>T on transcript NM_014946.4 (MANE Select); 17 bases into the intron after coding-DNA position 415, G replaced by T.
Molecular consequence: intron variant.
Genome position (GRCh38, 1-based): chr2:32,064,263, G>T. VCF-style: chr2-32064263-G-T. GRCh37 (hg19) VCF-style: chr2-32289332-G-T.
Other names: c.415+17G>T (NM_199436.2, NM_001377959.1, NM_001363823.2 and 1 more transcripts).
Identifiers: ClinVar variation 512095 (VCV000512095.5), dbSNP rs748969302, ClinGen allele CA1600566.
Genomic context (GRCh38, chr2:32,064,263, plus strand): 5'-CGAGTACATCTCCATTGCCCTGCGCATCGATGAGGATGAGAAAGGTAACTAGGGGGCTGG[G>T]GGAGGGGGCGGCGGCGCCGGGAAGAAGGCGGTGGGGTCGCCGGGGGAGGGCAACACCTGC-3'